The following is an entry in ClinVar:

ClinVar aggregate classification (germline): Likely pathogenic (1 of 4 stars; one submission).

Submission:

Labcorp Genetics (formerly Invitae), Labcorp
Classification: Likely pathogenic. Last evaluated: 2022-07-26. Review status: criteria provided, single submitter. Criteria: Invitae Variant Classification Sherloc (09022015). Collection method: clinical testing. Allele origin: germline.
Comment: In summary, the currently available evidence indicates that the variant is pathogenic, but additional data are needed to prove that conclusively. Therefore, this variant has been classified as Likely Pathogenic. Algorithms developed to predict the effect of sequence changes on RNA splicing suggest that this variant may disrupt the consensus splice site. ClinVar contains an entry for this variant (Variation ID: 1521194). Disruption of this splice site has been observed in individual(s) with pseudoxanthoma elasticum (PMID: 19726431). This sequence change affects a donor splice site in intron 24 of the ABCC6 gene. It is expected to disrupt RNA splicing. Variants that disrupt the donor or acceptor splice site typically lead to a loss of protein function (PMID: 16199547), and loss-of-function variants in ABCC6 are known to be pathogenic (PMID: 11536079, 17617515). This variant is not present in population databases (gnomAD no frequency).

Literature cited by the submitters: PubMed 19726431; PubMed 16199547; PubMed 11536079; PubMed 17617515.

NM_001171.6(ABCC6):c.3506+2T>C

Gene: ABCC6 (ATP binding cassette subfamily C member 6; minus strand). Cytogenetic location: 16p13.11.
Variant type: single nucleotide variant.
Coding change: c.3506+2T>C on transcript NM_001171.6 (MANE Select); the canonical splice donor site of the intron after coding-DNA position 3506, T replaced by C.
Molecular consequence: splice donor variant.
Genome position (GRCh38, 1-based): chr16:16,162,991, A>G on the plus strand (T>C on the coding strand, the complement: ABCC6 is on the minus strand). VCF-style: chr16-16162991-A-G. GRCh37 (hg19) VCF-style: chr16-16256848-A-G.
Other names: c.3164+2T>C (NM_001351800.1).
Identifiers: ClinVar variation 1521194 (VCV001521194.6), dbSNP rs2152224232, ClinGen allele CA394880257.
Genomic context (GRCh38, chr16:16,162,991, plus strand): 5'-AGGTCTCACCCTCTAAGGATATGGATGAATTGCAAGGTCTTCTCTGCCCTGGCTCTTCCT[A>G]CCTGTCAGCCACCAGTCGCGGGAAACTGATCCTCTGGCTTTCATCTACGCGAGCATTGTT-3'